The following is an entry in ClinVar:

NM_005070.4(SLC4A3):c.1589C>T (p.Ala530Val)

Gene: SLC4A3 (solute carrier family 4 member 3; plus strand). Cytogenetic location: 2q35.
Variant type: single nucleotide variant.
Coding change: c.1589C>T on transcript NM_005070.4 (MANE Select); coding-DNA position 1589, C replaced by T.
Protein change: p.Ala530Val; replaces alanine 530 with valine.
Molecular consequence: missense variant. On other transcripts: non-coding transcript variant (1).
Genome position (GRCh38, 1-based): chr2:219,634,447, C>T. VCF-style: chr2-219634447-C-T. GRCh37 (hg19) VCF-style: chr2-220499169-C-T.
Other names: c.1670C>T, p.Ala557Val (NM_001326559.2, NM_201574.3); short protein forms A530V, A557V.
Identifiers: ClinVar variation 3346168 (VCV003346168.1).

ClinVar aggregate classification (germline): Uncertain significance (0 of 4 stars; one submission).

Conditions:
SLC4A3-related disorder. Also called: SLC4A3-related condition.

Submission:

PreventionGenetics, part of Exact Sciences
Classification: Uncertain significance for SLC4A3-related condition. Last evaluated: 2024-06-11. Review status: no assertion criteria provided. Collection method: clinical testing. Allele origin: germline.
Comment: The SLC4A3 c.1670C>T variant is predicted to result in the amino acid substitution p.Ala557Val. To our knowledge, this variant has not been reported in the literature or in a large population database, indicating this variant is rare. At this time, the clinical significance of this variant is uncertain due to the absence of conclusive functional and genetic evidence.